The following is an entry in ClinVar:

ClinVar aggregate classification (germline): Uncertain significance (1 of 4 stars; one submission).

Conditions:
Brachyolmia-amelogenesis imperfecta syndrome. Also called: PLATYSPONDYLY WITH AMELOGENESIS IMPERFECTA; Tooth agenesis, selective, 6; Dental anomalies and short stature. Identifiers: Orphanet 2899, MedGen C1832594, MONDO:0011018, OMIM 601216. Disease mechanism: loss of function.

Allele frequency attached by ClinVar (database versions not stated): gnomAD exomes below 0.00001; TOPMed below 0.00001; gnomAD 0.00001.
gnomAD v4.1: 2 of 1,513,100 alleles (0.00013%); highest among the groups gnomAD compares: Non-Finnish European, 0.00018%; no homozygotes.

Submission:

Labcorp Genetics (formerly Invitae), Labcorp
Classification: Uncertain significance for Brachyolmia-amelogenesis imperfecta syndrome. Last evaluated: 2023-01-11. Review status: criteria provided, single submitter. Criteria: Invitae Variant Classification Sherloc (09022015). Collection method: clinical testing. Allele origin: germline.
Comment: This variant is not present in population databases (gnomAD no frequency). This variant has not been reported in the literature in individuals affected with LTBP3-related conditions. Algorithms developed to predict the effect of missense changes on protein structure and function are either unavailable or do not agree on the potential impact of this missense change (SIFT: "Tolerated"; PolyPhen-2: "Possibly Damaging"; Align-GVGD: "Class C0"). In summary, the available evidence is currently insufficient to determine the role of this variant in disease. Therefore, it has been classified as a Variant of Uncertain Significance. This sequence change replaces leucine, which is neutral and non-polar, with phenylalanine, which is neutral and non-polar, at codon 1123 of the LTBP3 protein (p.Leu1123Phe).

NM_001130144.3(LTBP3):c.3367C>T (p.Leu1123Phe)

Genes: LTBP3 (latent transforming growth factor beta binding protein 3; minus strand), LOC130006027 (ATAC-STARR-seq lymphoblastoid silent region 3530; plus strand). Cytogenetic location: 11q13.1.
Variant type: single nucleotide variant.
Coding change: c.3367C>T on transcript NM_001130144.3 (MANE Select); coding-DNA position 3367, C replaced by T.
Protein change: p.Leu1123Phe; replaces leucine 1123 with phenylalanine.
Molecular consequence: missense variant. On other transcripts: intron variant (2).
Genome position (GRCh38, 1-based): chr11:65,540,031, G>A on the plus strand (C>T on the coding strand, the complement: LTBP3 is on the minus strand). VCF-style: chr11-65540031-G-A. GRCh37 (hg19) VCF-style: chr11-65307502-G-A.
Other names: c.2894-150C>T (NM_001164266.1); c.3245-150C>T (NM_021070.4); short protein forms L1123F.
Identifiers: ClinVar variation 2853838 (VCV002853838.3), dbSNP rs1856013438, ClinGen allele CA381267047.